The following is an entry in ClinVar:

NM_020442.6(VARS2):c.3044C>T (p.Ala1015Val)

Gene: VARS2 (valyl-tRNA synthetase 2, mitochondrial; plus strand). Cytogenetic location: 6p21.33.
Variant type: single nucleotide variant.
Coding change: c.3044C>T on transcript NM_020442.6 (MANE Select); coding-DNA position 3044, C replaced by T.
Protein change: p.Ala1015Val; replaces alanine 1015 with valine.
Molecular consequence: missense variant.
Genome position (GRCh38, 1-based): chr6:30,925,962, C>T. VCF-style: chr6-30925962-C-T. GRCh37 (hg19) VCF-style: chr6-30893739-C-T.
Other names: c.2624C>T, p.Ala875Val (NM_001167733.3); c.3134C>T, p.Ala1045Val (NM_001167734.2); short protein forms A1015V, A1045V, A875V.
Identifiers: ClinVar variation 2430726 (VCV002430726.2), dbSNP rs1161554576, ClinGen allele CA363178372.

ClinVar aggregate classification (germline): Uncertain significance. Review status: criteria provided, multiple submitters, no conflicts (2 of 4 stars). 2 submissions from 2 submitters: Uncertain significance (2). Last evaluated 2024-10-09.

Conditions:
Inborn genetic diseases. Identifiers: MedGen C0950123, MeSH D030342.

Allele frequency attached by ClinVar (database versions not stated): gnomAD exomes below 0.00001; TOPMed below 0.00001; gnomAD 0.00001.
gnomAD v4.1: 4 of 1,612,940 alleles (0.00025%); highest among the groups gnomAD compares: Non-Finnish European, 0.00034%; no homozygotes.

Submissions (2):

Ambry Genetics
Classification: Uncertain significance for Inborn genetic diseases. Last evaluated: 2024-10-09. Review status: criteria provided, single submitter. Criteria: Ambry Variant Classification Scheme 2023. Collection method: clinical testing. Allele origin: germline.

GeneDx
Classification: Uncertain significance. Last evaluated: 2022-08-16. Review status: criteria provided, single submitter. Criteria: GeneDx Variant Classification Process June 2021. Collection method: clinical testing. Allele origin: germline. Affected: yes.
Comment: Not observed at significant frequency in large population cohorts (gnomAD); In silico analysis supports that this missense variant does not alter protein structure/function; Has not been previously published as pathogenic or benign to our knowledge